The following is an entry in ClinVar:

NM_001035.3(RYR2):c.12700G>A (p.Ala4234Thr)

Genes: RYR2 (ryanodine receptor 2; plus strand), LOC126806068 (BRD4-independent group 4 enhancer GRCh37_chr1:237947411-237948610; plus strand). Cytogenetic location: 1q43.
Variant type: single nucleotide variant.
Coding change: c.12700G>A on transcript NM_001035.3 (MANE Select); coding-DNA position 12700, G replaced by A.
Protein change: p.Ala4234Thr; replaces alanine 4234 with threonine.
Molecular consequence: missense variant.
Genome position (GRCh38, 1-based): chr1:237,784,412, G>A. VCF-style: chr1-237784412-G-A. GRCh37 (hg19) VCF-style: chr1-237947712-G-A.
Other names: c.12700G>A, p.Ala4234Thr (LRG_402t1); short protein forms A4234T.
Identifiers: ClinVar variation 201341 (VCV000201341.20), dbSNP rs773317989, ClinGen allele CA007676.

ClinVar aggregate classification (germline): Uncertain significance. Review status: criteria provided, multiple submitters, no conflicts (2 of 4 stars). 4 submissions from 4 submitters: Uncertain significance (4). Last evaluated 2025-01-29.

Conditions:
Cardiovascular phenotype. Identifiers: MedGen CN230736.
Cardiomyopathy (CMYO). Also called: Cardiomyopathies. Identifiers: Orphanet 167848, MedGen C0878544, MONDO:0004994, HP:0001638. Inheritance: Various modes of inheritance.
Catecholaminergic polymorphic ventricular tachycardia (CVPT). Also called: Catecholamine-induced polymorphic ventricular tachycardia. Identifiers: Orphanet 3286, MedGen C5574922, MONDO:0017990.
Catecholaminergic polymorphic ventricular tachycardia 1. Also called: RYR2-Related Catecholaminergic Polymorphic Ventricular Tachycardia; VENTRICULAR TACHYCARDIA, CATECHOLAMINERGIC POLYMORPHIC, 1, WITH OR WITHOUT ATRIAL DYSFUNCTION AND/OR DILATED CARDIOMYOPATHY; VENTRICULAR TACHYCARDIA, STRESS-INDUCED POLYMORPHIC 1. Identifiers: Orphanet 3286, MedGen C1631597, MONDO:0011484, OMIM 604772.

Allele frequency attached by ClinVar (database versions not stated): ExAC 0.00001; gnomAD 0.00001; gnomAD exomes 0.00001; TOPMed 0.00001.
gnomAD v4.1: 19 of 1,613,762 alleles (0.0012%); highest among the groups gnomAD compares: Non-Finnish European, 0.0015%; no homozygotes.

Submissions (4):

Labcorp Genetics (formerly Invitae), Labcorp
Classification: Uncertain significance for Catecholaminergic polymorphic ventricular tachycardia 1. Last evaluated: 2025-01-29. Review status: criteria provided, single submitter. Criteria: Invitae Variant Classification Sherloc (09022015). Collection method: clinical testing. Allele origin: germline.
Comment: This sequence change replaces alanine, which is neutral and non-polar, with threonine, which is neutral and polar, at codon 4234 of the RYR2 protein (p.Ala4234Thr). This variant is present in population databases (rs773317989, gnomAD 0.002%). This variant has not been reported in the literature in individuals affected with RYR2-related conditions. ClinVar contains an entry for this variant (Variation ID: 201341). Invitae Evidence Modeling of protein sequence and biophysical properties (such as structural, functional, and spatial information, amino acid conservation, physicochemical variation, residue mobility, and thermodynamic stability) indicates that this missense variant is not expected to disrupt RYR2 protein function with a negative predictive value of 95%. In summary, the available evidence is currently insufficient to determine the role of this variant in disease. Therefore, it has been classified as a Variant of Uncertain Significance.

Color Diagnostics, LLC DBA Color Health
Classification: Uncertain significance for Cardiomyopathy. Last evaluated: 2024-03-06. Review status: criteria provided, single submitter. Criteria: ACMG Guidelines, 2015. Collection method: clinical testing. Allele origin: germline.
Comment: This missense variant replaces alanine with threonine at codon 4234 of the RYR2 protein. Computational prediction suggests that this variant may not impact protein structure and function (internally defined REVEL score threshold <= 0.5, PMID: 27666373). To our knowledge, functional studies have not been reported for this variant. This variant has not been reported in individuals affected with cardiovascular disorders in the literature. This variant has been identified in 3/248114 chromosomes in the general population by the Genome Aggregation Database (gnomAD). The available evidence is insufficient to determine the role of this variant in disease conclusively. Therefore, this variant is classified as a Variant of Uncertain Significance.

All of Us Research Program, National Institutes of Health
Classification: Uncertain significance for Catecholaminergic polymorphic ventricular tachycardia. Last evaluated: 2023-08-15. Review status: criteria provided, single submitter. Criteria: ACMG Guidelines, 2015. Collection method: clinical testing. Allele origin: germline. Inheritance: Autosomal dominant inheritance. Observed: 1 variant allele, 1 heterozygote.
Comment: This missense variant replaces alanine with threonine at codon 4234 of the RYR2 protein. Computational prediction suggests that this variant may not impact protein structure and function (internally defined REVEL score threshold <= 0.5, PMID: 27666373). To our knowledge, functional studies have not been reported for this variant. This variant has not been reported in individuals affected with cardiovascular disorders in the literature. This variant has been identified in 3/248114 chromosomes in the general population by the Genome Aggregation Database (gnomAD). The available evidence is insufficient to determine the role of this variant in disease conclusively. Therefore, this variant is classified as a Variant of Uncertain Significance.

This study involves interpretation of variants in research participants for the purpose of population health screening. Participant phenotype was not available at the time of variant classification. Additional details can be found in publication PMID: 35346344, PMCID: PMC8962531

Ambry Genetics
Classification: Uncertain significance for Cardiovascular phenotype. Last evaluated: 2016-07-07. Review status: criteria provided, single submitter. Criteria: Ambry Variant Classification Scheme 2023. Collection method: clinical testing. Allele origin: germline.
Comment: The p.A4234T variant (also known as c.12700G>A), located in coding exon 90 of the RYR2 gene, results from a G to A substitution at nucleotide position 12700. The alanine at codon 4234 is replaced by threonine, an amino acid with similar properties. This variant was previously reported in the SNPDatabase as rs773317989. This variant was not reported in population-based cohorts in the following databases: NHLBI Exome Sequencing Project (ESP) and 1000 Genomes Project. In the ESP, this variant was not observed in 6127 samples (12254 alleles) with coverage at this position. Based on data from ExAC, the A allele has an overall frequency of less than 0.01% (1/119280). This amino acid position is not well conserved in available vertebrate species. In addition, the in silico prediction for this alteration is inconclusive. Since supporting evidence is limited at this time, the clinical significance of this alteration remains unclear.